The following is an entry in ClinVar:

ClinVar aggregate classification (germline): Uncertain significance. Review status: criteria provided, multiple submitters, no conflicts (2 of 4 stars). 3 submissions from 3 submitters: Uncertain significance (3). Last evaluated 2024-08-23.

Conditions:
Familial isolated arrhythmogenic right ventricular dysplasia. Identifiers: Orphanet 217656, MedGen C4274968, MONDO:0016342.
Arrhythmogenic right ventricular dysplasia 11. Also called: Arrhythmogenic right ventricular dysplasia 11 with mild palmoplantar keratoderma and woolly hair; Arrhythmogenic Right Ventricular Dysplasia/Cardiomyopathy11; ARRHYTHMOGENIC RIGHT VENTRICULAR DYSPLASIA, FAMILIAL, 11. Identifiers: MedGen C1864850, MONDO:0012506, OMIM 610476.

Submissions (3):

All of Us Research Program, National Institutes of Health
Classification: Uncertain significance for Familial isolated arrhythmogenic right ventricular dysplasia. Last evaluated: 2024-08-23. Review status: criteria provided, single submitter. Criteria: ACMG Guidelines, 2015. Collection method: clinical testing. Allele origin: germline. Inheritance: Autosomal dominant inheritance. Observed: 1 variant allele, 1 heterozygote.
Comment: This missense variant replaces alanine with valine at codon 13 of the DSC2 protein. Computational prediction suggests that this variant may not impact protein structure and function (internally defined REVEL score threshold <= 0.5, PMID: 27666373). To our knowledge, functional studies have not been reported for this variant. This variant has not been reported in individuals affected with DSC2-related disorders in the literature. This variant has not been identified in the general population by the Genome Aggregation Database (gnomAD). The available evidence is insufficient to determine the role of this variant in disease conclusively. Therefore, this variant is classified as a Variant of Uncertain Significance.

This study involves interpretation of variants in research participants for the purpose of population health screening. Participant phenotype was not available at the time of variant classification. Additional details can be found in publication PMID: 35346344, PMCID: PMC8962531

Labcorp Genetics (formerly Invitae), Labcorp
Classification: Uncertain significance for Arrhythmogenic right ventricular dysplasia 11. Last evaluated: 2022-01-06. Review status: criteria provided, single submitter. Criteria: Invitae Variant Classification Sherloc (09022015). Collection method: clinical testing. Allele origin: germline.
Comment: ClinVar contains an entry for this variant (Variation ID: 1308314). In summary, the available evidence is currently insufficient to determine the role of this variant in disease. Therefore, it has been classified as a Variant of Uncertain Significance. Algorithms developed to predict the effect of missense changes on protein structure and function output the following: SIFT: "Tolerated"; PolyPhen-2: "Benign"; Align-GVGD: "Class C0". The valine amino acid residue is found in multiple mammalian species, which suggests that this missense change does not adversely affect protein function. This variant has not been reported in the literature in individuals affected with DSC2-related conditions. This variant is not present in population databases (gnomAD no frequency). This sequence change replaces alanine, which is neutral and non-polar, with valine, which is neutral and non-polar, at codon 13 of the DSC2 protein (p.Ala13Val).

GeneDx
Classification: Uncertain significance. Last evaluated: 2019-03-20. Review status: criteria provided, single submitter. Criteria: GeneDx Variant Classification Process June 2021. Collection method: clinical testing. Allele origin: germline. Affected: yes.
Comment: Not observed in large population cohorts (Lek et al., 2016); In silico analysis, which includes protein predictors and evolutionary conservation, supports that this variant does not alter protein structure/function; Has not been previously published as pathogenic or benign to our knowledge

NM_024422.6(DSC2):c.38C>T (p.Ala13Val)

Genes: DSC2 (desmocollin 2; minus strand), DSCAS (DSC1/DSC2 antisense RNA; plus strand). Cytogenetic location: 18q12.1.
Variant type: single nucleotide variant.
Coding change: c.38C>T on transcript NM_024422.6 (MANE Select); coding-DNA position 38, C replaced by T.
Protein change: p.Ala13Val; replaces alanine 13 with valine.
Molecular consequence: missense variant.
Genome position (GRCh38, 1-based): chr18:31,101,934, G>A on the plus strand (C>T on the coding strand, the complement: DSC2 is on the minus strand). VCF-style: chr18-31101934-G-A. GRCh37 (hg19) VCF-style: chr18-28681897-G-A.
Other names: c.38C>T, p.Ala13Val (NM_004949.5); short protein forms A13V.
Identifiers: ClinVar variation 1308314 (VCV001308314.7), dbSNP rs1404155315, ClinGen allele CA402115260.